The following is an entry in ClinVar:

NM_001128126.3(AP4S1):c.2T>C (p.Met1Thr)

Gene: AP4S1 (adaptor related protein complex 4 subunit sigma 1; plus strand). Cytogenetic location: 14q12.
Variant type: single nucleotide variant.
Coding change: c.2T>C on transcript NM_001128126.3 (MANE Select); coding-DNA position 2, T replaced by C.
Protein change: p.Met1Thr; changes the start codon (methionine 1).
Molecular consequence: missense variant, initiator codon variant.
Genome position (GRCh38, 1-based): chr14:31,066,198, T>C. VCF-style: chr14-31066198-T-C. GRCh37 (hg19) VCF-style: chr14-31535404-T-C.
Other names: c.2T>C, p.Met1Thr (NM_001254726.2, NM_001254727.2, NM_001254728.2 and 2 more transcripts); short protein forms M1T.
Identifiers: ClinVar variation 520786 (VCV000520786.9), dbSNP rs755820725, ClinGen allele CA389358478.
Genomic context (GRCh38, chr14:31,066,198, plus strand): 5'-GCCATCCCTTGTCATAACTTTTGAACTGTATTTGGAAAAATACTGGCCAGGAAAGAAAAA[T>C]GATAAAATTTTTCCTCATGGTGAATAAACAAGGGCAGACTCGACTTTCTAAGTACTATGA-3'
Protein context (NP_001121598.1, residues 1-11): [Met1Thr]IKFFLMVNKQ

ClinVar aggregate classification (germline): Likely pathogenic. Review status: criteria provided, multiple submitters, no conflicts (2 of 4 stars). 2 submissions from 2 submitters: Likely pathogenic (2). Last evaluated 2023-04-24.

Conditions:
Spastic paraplegia. Identifiers: MedGen C0037772, HP:0001258.
Inborn genetic diseases. Identifiers: MedGen C0950123, MeSH D030342.

Submissions (2):

Labcorp Genetics (formerly Invitae), Labcorp
Classification: Likely pathogenic for Spastic paraplegia. Last evaluated: 2023-04-24. Review status: criteria provided, single submitter. Criteria: Invitae Variant Classification Sherloc (09022015). Collection method: clinical testing. Allele origin: germline.
Comment: In summary, the currently available evidence indicates that the variant is pathogenic, but additional data are needed to prove that conclusively. Therefore, this variant has been classified as Likely Pathogenic. This variant disrupts a region of the AP4S1 protein in which other variant(s) (p.Leu6Pro) have been observed in individuals with AP4S1-related conditions (PMID: 32979048). This suggests that this is a clinically significant region of the protein, and that variants that disrupt it are likely to be disease-causing. ClinVar contains an entry for this variant (Variation ID: 520786). Disruption of the initiator codon has been observed in individual(s) with clinical features of hereditary spastic paraplegia (Invitae). In at least one individual the data is consistent with being in trans (on the opposite chromosome) from a pathogenic variant. This variant is present in population databases (no rsID available, gnomAD 0.003%). This sequence change affects the initiator methionine of the AP4S1 mRNA. The next in-frame methionine is located at codon 7.

Ambry Genetics
Classification: Likely pathogenic for Inborn genetic diseases. Last evaluated: 2015-11-09. Review status: criteria provided, single submitter. Criteria: Ambry exome assertion method (8-5-2015). Collection method: clinical testing. Allele origin: germline. Affected: yes. Observed: 1 variant allele.

Literature cited by the submitters: PubMed 32979048 (cited by Labcorp Genetics (formerly Invitae), Labcorp).